The following is an entry in ClinVar:

NM_177531.6(PKHD1L1):c.9307G>C (p.Ala3103Pro)

Gene: PKHD1L1 (PKHD1 like 1; plus strand). Cytogenetic location: 8q23.1.
Variant type: single nucleotide variant.
Coding change: c.9307G>C on transcript NM_177531.6 (MANE Select); coding-DNA position 9307, G replaced by C.
Protein change: p.Ala3103Pro; replaces alanine 3103 with proline.
Molecular consequence: missense variant.
Genome position (GRCh38, 1-based): chr8:109,480,119, G>C. VCF-style: chr8-109480119-G-C. GRCh37 (hg19) VCF-style: chr8-110492348-G-C.
Other names: short protein forms A3103P.
Identifiers: ClinVar variation 3354159 (VCV003354159.1).
Genomic context (GRCh38, chr8:109,480,119, plus strand): 5'-CTGGAAGATAAATACAATGTAGGAGCTGCAGAATCTTCTTACAGAGAAGTTGTTTTGAAT[G>C]CTACCTACATATCACTGCAGGTAAGAGTGAGGGCCTTGTAGTTTATATCTTTATTAATCT-3'
Protein context (NP_803875.2, residues 3093-3113): ESSYREVVLN[Ala3103Pro]TYISLQGGRL

ClinVar aggregate classification (germline): Likely benign (0 of 4 stars; one submission).

Conditions:
PKHD1L1-related disorder. Also called: PKHD1L1-related condition.

gnomAD v4.1: 2,617 of 1,572,296 alleles (0.17%); highest among the groups gnomAD compares: Non-Finnish European, 0.18%; 2 homozygotes.

Submission:

PreventionGenetics, part of Exact Sciences
Classification: Likely benign for PKHD1L1-related condition. Last evaluated: 2024-05-24. Review status: no assertion criteria provided. Collection method: clinical testing. Allele origin: germline.
Comment: This variant is classified as likely benign based on ACMG/AMP sequence variant interpretation guidelines (Richards et al. 2015 PMID: 25741868, with internal and published modifications).